The following is an entry in ClinVar:

ClinVar aggregate classification (germline): Uncertain significance. Review status: criteria provided, multiple submitters, no conflicts (2 of 4 stars). 5 submissions from 5 submitters: Uncertain significance (4). 1 of the submissions does not count toward it. Last evaluated 2025-02-16.

Conditions:
Landau-Kleffner syndrome (FESD). Also called: EPILEPSY, FOCAL, WITH SPEECH DISORDER AND WITH OR WITHOUT MENTAL RETARDATION; APHASIA, ACQUIRED, WITH EPILEPSY. Identifiers: Orphanet 1945, Orphanet 725, Orphanet 98818, MedGen C0282512, MONDO:0009509, OMIM 245570.

Allele frequency attached by ClinVar (database versions not stated): TOPMed below 0.00001.
gnomAD v4.1: 3 of 1,614,044 alleles (0.00019%); highest among the groups gnomAD compares: Non-Finnish European, 0.00025%; no homozygotes.

Submissions (5):

Laboratory of Genetics, Children's Clinical University Hospital Latvia
Classification: Uncertain significance. Last evaluated: 2025-02-16. Review status: criteria provided, single submitter. Criteria: ACMG Guidelines, 2015. Collection method: clinical testing. Allele origin: germline. Affected: yes.

Blueprint Genetics
Classification: Uncertain significance. Last evaluated: 2023-12-27. Review status: criteria provided, single submitter. Criteria: ACMG Guidelines, 2015. Collection method: clinical testing. Allele origin: germline.

Labcorp Genetics (formerly Invitae), Labcorp
Classification: Uncertain significance for Landau-Kleffner syndrome. Last evaluated: 2021-12-02. Review status: criteria provided, single submitter. Criteria: Invitae Variant Classification Sherloc (09022015). Collection method: clinical testing. Allele origin: germline.
Comment: In summary, the available evidence is currently insufficient to determine the role of this variant in disease. Therefore, it has been classified as a Variant of Uncertain Significance. Advanced modeling of protein sequence and biophysical properties (such as structural, functional, and spatial information, amino acid conservation, physicochemical variation, residue mobility, and thermodynamic stability) performed at Invitae indicates that this missense variant is expected to disrupt GRIN2A protein function. ClinVar contains an entry for this variant (Variation ID: 425094). This variant has not been reported in the literature in individuals affected with GRIN2A-related conditions. This variant is not present in population databases (gnomAD no frequency). This sequence change replaces phenylalanine, which is neutral and non-polar, with leucine, which is neutral and non-polar, at codon 728 of the GRIN2A protein (p.Phe728Leu).

CeGaT Center for Human Genetics Tuebingen
Classification: Uncertain significance. Last evaluated: 2018-07-01. Review status: criteria provided, single submitter. Criteria: CeGaT Center For Human Genetics Tuebingen Variant Classification Criteria Version 2. Collection method: clinical testing. Allele origin: germline. Affected: yes. Observed: 2 variant alleles.

Clinical Genetics Laboratory, University Hospital Schleswig-Holstein
Classification: Uncertain significance for Landau-Kleffner syndrome. Last evaluated: 2024-01-16. Review status: no assertion criteria provided. Collection method: clinical testing. Allele origin: germline. Affected: yes. Not counted in ClinVar's aggregate classification.

NM_001134407.3(GRIN2A):c.2184C>G (p.Phe728Leu)

Gene: GRIN2A (glutamate ionotropic receptor NMDA type subunit 2A; minus strand). Cytogenetic location: 16p13.2.
Variant type: single nucleotide variant.
Coding change: c.2184C>G on transcript NM_001134407.3 (MANE Select); coding-DNA position 2184, C replaced by G.
Protein change: p.Phe728Leu; replaces phenylalanine 728 with leucine.
Molecular consequence: missense variant.
Genome position (GRCh38, 1-based): chr16:9,798,449, G>C on the plus strand (C>G on the coding strand, the complement: GRIN2A is on the minus strand). VCF-style: chr16-9798449-G-C. GRCh37 (hg19) VCF-style: chr16-9892306-G-C.
Other names: c.2184C>G, p.Phe728Leu (NM_000833.5, NM_001134408.2); short protein forms F728L.
Identifiers: ClinVar variation 425094 (VCV000425094.52), dbSNP rs773358718, ClinGen allele CA16621685.